The following is an entry in ClinVar:

NM_000179.3(MSH6):c.3691G>C (p.Val1231Leu)

Gene: MSH6 (mutS homolog 6; plus strand). Cytogenetic location: 2p16.3.
Variant type: single nucleotide variant.
Coding change: c.3691G>C on transcript NM_000179.3 (MANE Select); coding-DNA position 3691, G replaced by C.
Protein change: p.Val1231Leu; replaces valine 1231 with leucine.
Molecular consequence: missense variant.
Genome position (GRCh38, 1-based): chr2:47,806,248, G>C. VCF-style: chr2-47806248-G-C. GRCh37 (hg19) VCF-style: chr2-48033387-G-C.
Other names: c.3301G>C, p.Val1101Leu (NM_001281492.2); c.2785G>C, p.Val929Leu (NM_001281493.2, NM_001281494.2); short protein forms V1101L, V1231L, V929L.
Identifiers: ClinVar variation 1692261 (VCV001692261.3), dbSNP rs2104539233, ClinGen allele CA346760957.
Genomic context (GRCh38, chr2:47,806,248, plus strand): 5'-TATTTTACTTTAACAGGAAGAGGTACTGCAACATTTGATGGGACGGCAATAGCAAATGCA[G>C]TTGTTAAAGAACTTGCTGAGACTATAAAATGTCGTACATTATTTTCAACTCACTACCATT-3'
Protein context (NP_000170.1, residues 1221-1241): TFDGTAIANA[Val1231Leu]VKELAETIKC

ClinVar aggregate classification (germline): Uncertain significance. Review status: criteria provided, multiple submitters, no conflicts (2 of 4 stars). 2 submissions from 2 submitters: Uncertain significance (2). Last evaluated 2022-09-20.

Conditions:
Hereditary cancer-predisposing syndrome. Also called: Hereditary Cancer Syndrome; Hereditary neoplastic syndrome; Neoplastic Syndromes, Hereditary; Tumor predisposition. Identifiers: Orphanet 140162, MedGen C0027672, MeSH D009386, MONDO:0015356.

Submissions (2):

Ambry Genetics
Classification: Uncertain significance for Hereditary cancer-predisposing syndrome. Last evaluated: 2022-09-20. Review status: criteria provided, single submitter. Criteria: Ambry Variant Classification Scheme 2023. Collection method: clinical testing. Allele origin: germline.
Comment: The p.V1231L variant (also known as c.3691G>C), located in coding exon 8 of the MSH6 gene, results from a G to C substitution at nucleotide position 3691. The valine at codon 1231 is replaced by leucine, an amino acid with highly similar properties. This amino acid position is conserved. In addition, this alteration is predicted to be deleterious by in silico analysis. Since supporting evidence is limited at this time, the clinical significance of this alteration remains unclear.

Sema4
Classification: Uncertain significance for Hereditary cancer-predisposing syndrome. Last evaluated: 2021-12-08. Review status: criteria provided, single submitter. Criteria: Sema4 Curation Guidelines. Collection method: curation. Allele origin: germline.
Comment: The MSH6 c.3691G>C (p.V1231L) variant has not been reported in the literature to our knowledge. It was not observed in the large and broad cohorts of the Genome Aggregation Database (PMID: 32461654). This variant has not been reported in ClinVar. In silico tools suggest the impact of the variant on protein function is deleterious, though these predictions have not been confirmed by functional studies. The evidence is insufficient to meet ACMG/AMP criteria for classifying the variant as benign or pathogenic. Thus, the clinical significance of this variant is currently uncertain.